The following is an entry in ClinVar:

ClinVar aggregate classification (germline): Uncertain significance (1 of 4 stars; one submission).

Allele frequency attached by ClinVar (database versions not stated): gnomAD exomes 0.00001; TOPMed 0.00002; gnomAD 0.00003.
gnomAD v4.1: 22 of 1,613,256 alleles (0.0014%); highest among the groups gnomAD compares: Non-Finnish European, 0.0019%; no homozygotes.

Submission:

Labcorp Genetics (formerly Invitae), Labcorp
Classification: Uncertain significance. Last evaluated: 2025-03-03. Review status: criteria provided, single submitter. Criteria: Invitae Variant Classification Sherloc (09022015). Collection method: clinical testing. Allele origin: germline.
Comment: This sequence change replaces lysine, which is basic and polar, with glutamic acid, which is acidic and polar, at codon 658 of the TRAF3IP1 protein (p.Lys658Glu). This variant is present in population databases (no rsID available, gnomAD 0.003%). This variant has not been reported in the literature in individuals affected with TRAF3IP1-related conditions. ClinVar contains an entry for this variant (Variation ID: 2173131). Invitae Evidence Modeling of protein sequence and biophysical properties (such as structural, functional, and spatial information, amino acid conservation, physicochemical variation, residue mobility, and thermodynamic stability) indicates that this missense variant is not expected to disrupt TRAF3IP1 protein function with a negative predictive value of 80%. In summary, the available evidence is currently insufficient to determine the role of this variant in disease. Therefore, it has been classified as a Variant of Uncertain Significance.

NM_015650.4(TRAF3IP1):c.1972A>G (p.Lys658Glu)

Gene: TRAF3IP1 (TRAF3 interacting protein 1; plus strand). Cytogenetic location: 2q37.3.
Variant type: single nucleotide variant.
Coding change: c.1972A>G on transcript NM_015650.4 (MANE Select); coding-DNA position 1972, A replaced by G.
Protein change: p.Lys658Glu; replaces lysine 658 with glutamic acid.
Molecular consequence: missense variant.
Genome position (GRCh38, 1-based): chr2:238,398,815, A>G. VCF-style: chr2-238398815-A-G. GRCh37 (hg19) VCF-style: chr2-239307456-A-G.
Other names: c.1774A>G, p.Lys592Glu (NM_001139490.1); short protein forms K658E, K592E.
Identifiers: ClinVar variation 2173131 (VCV002173131.3), dbSNP rs926394962, ClinGen allele CA67991926.
Genomic context (GRCh38, chr2:238,398,815, plus strand): 5'-ATCACAGACTGTGCCGTGGAGCCCTTAAAGGCTGAGCTCGCGGAGCTGGAGCAGCTGATC[A>G]AAGACCAGCAAGACAAGATCTGTGCTGTGAAGGCCAACATCCTCAAGAATGAAGAAAAAA-3'
Protein context (NP_056465.2, residues 648-668): AELAELEQLI[Lys658Glu]DQQDKICAVK